The following is an entry in ClinVar:

NM_001277115.2(DNAH11):c.11237A>C (p.Gln3746Pro)

Gene: DNAH11 (dynein axonemal heavy chain 11; plus strand). Cytogenetic location: 7p15.3.
Variant type: single nucleotide variant.
Coding change: c.11237A>C on transcript NM_001277115.2 (MANE Select); coding-DNA position 11237, A replaced by C.
Protein change: p.Gln3746Pro; replaces glutamine 3746 with proline.
Molecular consequence: missense variant.
Genome position (GRCh38, 1-based): chr7:21,861,887, A>C. VCF-style: chr7-21861887-A-C. GRCh37 (hg19) VCF-style: chr7-21901505-A-C.
Other names: c.11258A>C, p.Gln3753Pro (NM_003777.3); short protein forms Q3746P, Q3753P.
Identifiers: ClinVar variation 3221479 (VCV003221479.1), dbSNP rs2535493886, ClinGen allele CA366961199.
Genomic context (GRCh38, chr7:21,861,887, plus strand): 5'-TTTAATGGTCACATTAAATTTCCCAGGCTTTTAACGTGCTGTTCCACAGAGCGATCGAGC[A>C]GGCTGACAAGGTGGAAGACATGCAGGGACGCATCTCTATCCTGATGGAGAGCATCACCCA-3'
Protein context (NP_001264044.1, residues 3736-3756): FNVLFHRAIE[Gln3746Pro]ADKVEDMQGR

ClinVar aggregate classification (germline): Uncertain significance (1 of 4 stars; one submission).

Conditions:
Primary ciliary dyskinesia. Also called: Ciliary dyskinesia. Identifiers: Orphanet 244, MedGen C0008780, MONDO:0016575, HP:0012265.

Submission:

Ambry Genetics
Classification: Uncertain significance for Primary ciliary dyskinesia. Last evaluated: 2023-11-06. Review status: criteria provided, single submitter. Criteria: Ambry Variant Classification Scheme 2023. Collection method: clinical testing. Allele origin: germline.
Comment: The p.Q3746P variant (also known as c.11237A>C), located in coding exon 69 of the DNAH11 gene, results from an A to C substitution at nucleotide position 11237. The glutamine at codon 3746 is replaced by proline, an amino acid with similar properties. This amino acid position is conserved. In addition, this alteration is predicted to be tolerated by in silico analysis. Since supporting evidence is limited at this time, the clinical significance of this alteration remains unclear.